The following is an entry in ClinVar:

NM_004628.5(XPC):c.1616A>G (p.Glu539Gly)

Gene: XPC (XPC complex subunit, DNA damage recognition and repair factor; minus strand). Cytogenetic location: 3p25.1.
Variant type: single nucleotide variant.
Coding change: c.1616A>G on transcript NM_004628.5 (MANE Select); coding-DNA position 1616, A replaced by G.
Protein change: p.Glu539Gly; replaces glutamic acid 539 with glycine.
Molecular consequence: missense variant. On other transcripts: non-coding transcript variant (2).
Genome position (GRCh38, 1-based): chr3:14,158,267, T>C on the plus strand (A>G on the coding strand, the complement: XPC is on the minus strand). VCF-style: chr3-14158267-T-C. GRCh37 (hg19) VCF-style: chr3-14199767-T-C.
Other names: c.1037A>G, p.Glu346Gly (NM_001354726.2); c.1616A>G, p.Glu539Gly (NM_001354727.2, NM_001354730.2); c.1598A>G, p.Glu533Gly (NM_001354729.2); short protein forms E539G, E346G, E533G.
Identifiers: ClinVar variation 343570 (VCV000343570.60), dbSNP rs563236303, ClinGen allele CA2267401.
Genomic context (GRCh38, chr3:14,158,267, plus strand): 5'-TAACAGGTCAGAGGCTGGCCCACCACACCGTGCACACAGTCTACACATACCCACTTTTCC[T>C]CCTGCTCACAGAACACCTCTAGCCACTGGTCTATACCAGCTATGCTTCTTTTTTCTGCCT-3'
Protein context (NP_004619.3, residues 529-549): DQWLEVFCEQ[Glu539Gly]EKWVCVDCVH

ClinVar aggregate classification (germline): Conflicting classifications of pathogenicity. Review status: criteria provided, conflicting classifications (1 of 4 stars). 6 submissions from 6 submitters: Uncertain significance (3); Benign (1); Likely benign (2). Last evaluated 2026-01-25.

Conditions:
Xeroderma pigmentosum (XP). Identifiers: Orphanet 910, MedGen C0043346, MONDO:0019600.
XPC-related disorder. Also called: XPC-related condition.
Xeroderma pigmentosum, group C (XPC). Also called: XERODERMA PIGMENTOSUM III; XP, GROUP C; XPC-Related Xeroderma Pigmentosum; Xeroderma pigmentosum, complementation group C. Identifiers: Orphanet 910, MedGen C2752147, MONDO:0010211, OMIM 278720.

Allele frequency attached by ClinVar (database versions not stated): gnomAD 0.00004 and 0.00008; TOPMed 0.00009; 1000 Genomes Project 30x 0.00016; 1000 Genomes Project 0.00020; gnomAD exomes 0.00024; ExAC 0.00029.

Submissions (6):

Labcorp Genetics (formerly Invitae), Labcorp
Classification: Benign. Last evaluated: 2026-01-25. Review status: criteria provided, single submitter. Criteria: Invitae Variant Classification Sherloc (09022015). Collection method: clinical testing. Allele origin: germline.

PreventionGenetics, part of Exact Sciences
Classification: Likely benign for XPC-related condition. Last evaluated: 2025-06-24. Review status: criteria provided, single submitter. Criteria: ACMG Guidelines, 2015. Collection method: clinical testing. Allele origin: germline.
Comment: This variant is classified as likely benign based on ACMG/AMP sequence variant interpretation guidelines (Richards et al. 2015 PMID: 25741868, with internal and published modifications).

Sema4
Classification: Uncertain significance for Xeroderma pigmentosum. Last evaluated: 2022-01-19. Review status: criteria provided, single submitter. Criteria: Sema4 Curation Guidelines. Collection method: curation. Allele origin: germline.
Comment: The XPC c.1616A>G (p.E539G) variant has been reported in 1 individual with papillary thyroid cancer (PMID 33821390). This variant was observed in 43/30602 chromosomes in the South Asian population, with no homozygotes, according to the Genome Aggregation Database (PMID: 32461654). This variant has been reported in ClinVar (Variation ID 343570). Functional studies have not been performed, and in silico predictions of the variant's effect on protein function are inconclusive. The overall evidence is insufficient to meet ACMG/AMP criteria for classifying it as benign or pathogenic. In summary, the clinical significance of this variant is currently uncertain.

Baylor Genetics
Classification: Uncertain significance for Xeroderma pigmentosum, group C. Last evaluated: 2019-07-27. Review status: criteria provided, single submitter. Criteria: ACMG Guidelines, 2015. Collection method: clinical testing. Allele origin: unknown. Affected: yes. Study: CSER-TexasKidsCanSeq.
Comment: This variant was determined to be of uncertain significance according to ACMG Guidelines, 2015 [PMID:25741868].

CeGaT Center for Human Genetics Tuebingen
Classification: Likely benign. Last evaluated: 2018-07-01. Review status: criteria provided, single submitter. Criteria: CeGaT Center For Human Genetics Tuebingen Variant Classification Criteria Version 2. Collection method: clinical testing. Allele origin: germline. Affected: yes. Observed: 1 variant allele.

Illumina Laboratory Services, Illumina
Classification: Uncertain significance for Xeroderma pigmentosum, group C. Last evaluated: 2018-01-13. Review status: criteria provided, single submitter. Criteria: ICSL Variant Classification Criteria 13 December 2019. Collection method: clinical testing. Allele origin: germline.

Literature cited by the submitters: PubMed 33821390 (cited by Sema4).